The following is an entry in ClinVar:

NM_001378454.1(ALMS1):c.1238-13T>A

Gene: ALMS1 (ALMS1 centrosome and basal body associated protein; plus strand). Cytogenetic location: 2p13.1.
Variant type: single nucleotide variant.
Coding change: c.1238-13T>A on transcript NM_001378454.1 (MANE Select); 13 bases into the intron before coding-DNA position 1238, T replaced by A.
Molecular consequence: intron variant.
Genome position (GRCh38, 1-based): chr2:73,426,440, T>A. VCF-style: chr2-73426440-T-A. GRCh37 (hg19) VCF-style: chr2-73653568-T-A.
Other names: c.1238-13T>A (NM_015120.4).
Identifiers: ClinVar variation 2817458 (VCV002817458.3), dbSNP rs1255941608, ClinGen allele CA2739271068.
Genomic context (GRCh38, chr2:73,426,440, plus strand): 5'-AGTCCTTCGTGTGTGGGAGCTGAGCCTAGTTTTACTATACATACAATTATGCAAAATGAC[T>A]CCTATTTTGTAGAGGGCCTGCAGGGGAAGGTTGAGTCTGACGTCATTACTCTGGATGGCC-3'

ClinVar aggregate classification (germline): Uncertain significance (1 of 4 stars; one submission).

Conditions:
Alstrom syndrome (ALMS). Identifiers: Orphanet 64, MedGen C0268425, MONDO:0008763, OMIM 203800.

Submission:

Labcorp Genetics (formerly Invitae), Labcorp
Classification: Uncertain significance for Alstrom syndrome. Last evaluated: 2022-11-29. Review status: criteria provided, single submitter. Criteria: Invitae Variant Classification Sherloc (09022015). Collection method: clinical testing. Allele origin: germline.
Comment: In summary, the available evidence is currently insufficient to determine the role of this variant in disease. Therefore, it has been classified as a Variant of Uncertain Significance. Algorithms developed to predict the effect of sequence changes on RNA splicing suggest that this variant may disrupt the consensus splice site. This variant has not been reported in the literature in individuals affected with ALMS1-related conditions. This variant is not present in population databases (gnomAD no frequency). This sequence change falls in intron 5 of the ALMS1 gene. It does not directly change the encoded amino acid sequence of the ALMS1 protein.